The following is an entry in ClinVar:

ClinVar aggregate classification (germline): Uncertain significance (1 of 4 stars; one submission).

Submission:

Labcorp Genetics (formerly Invitae), Labcorp
Classification: Uncertain significance. Last evaluated: 2023-07-09. Review status: criteria provided, single submitter. Criteria: Invitae Variant Classification Sherloc (09022015). Collection method: clinical testing. Allele origin: germline.
Comment: This sequence change replaces histidine, which is basic and polar, with glutamine, which is neutral and polar, at codon 2038 of the RP1 protein (p.His2038Gln). This variant is not present in population databases (gnomAD no frequency). In summary, the available evidence is currently insufficient to determine the role of this variant in disease. Therefore, it has been classified as a Variant of Uncertain Significance. Algorithms developed to predict the effect of missense changes on protein structure and function output the following: SIFT: "Not Available"; PolyPhen-2: "Benign"; Align-GVGD: "Not Available". The glutamine amino acid residue is found in multiple mammalian species, which suggests that this missense change does not adversely affect protein function. This variant has not been reported in the literature in individuals affected with RP1-related conditions.

NM_006269.2(RP1):c.6114C>G (p.His2038Gln)

Gene: RP1 (RP1 axonemal microtubule associated; plus strand). Cytogenetic location: 8q12.1.
Variant type: single nucleotide variant.
Coding change: c.6114C>G on transcript NM_006269.2 (MANE Select); coding-DNA position 6114, C replaced by G.
Protein change: p.His2038Gln; replaces histidine 2038 with glutamine.
Molecular consequence: missense variant. On other transcripts: intron variant (1).
Genome position (GRCh38, 1-based): chr8:54,629,996, C>G. VCF-style: chr8-54629996-C-G. GRCh37 (hg19) VCF-style: chr8-55542556-C-G.
Other names: c.787+7708C>G (NM_001375654.1); short protein forms H2038Q.
Identifiers: ClinVar variation 2739789 (VCV002739789.3), dbSNP rs2129318552, ClinGen allele CA370990590.